The following is an entry in ClinVar:

NC_000002.12:g.121530954A>T

Genes: CLASP1 (cytoplasmic linker associated protein 1; minus strand), CLASP1-AS1 (CLASP1 antisense RNA 1; plus strand), RNU4ATAC (RNA, U4atac small nuclear; plus strand). Cytogenetic location: 2q14.2.
Variant type: single nucleotide variant.
Molecular consequence: intron variant (on NM_001395891.1).
Genome position: GRCh38 VCF-style: chr2-121530954-A-T. GRCh37 (hg19) VCF-style: chr2-122288530-A-T.
Other names: c.196-629T>A (NM_001142274.2, NM_015282.3, NM_001378003.1 and 5 more transcripts).
Identifiers: ClinVar variation 1461676 (VCV001461676.6), dbSNP rs950868962, ClinGen allele CA428888041.

ClinVar aggregate classification (germline): Uncertain significance (1 of 4 stars; one submission).

gnomAD v4.1: 2 of 700,312 alleles (0.00029%); highest among the groups gnomAD compares: African/African-American, 0.0035%; no homozygotes.

Submission:

Labcorp Genetics (formerly Invitae), Labcorp
Classification: Uncertain significance. Last evaluated: 2022-08-23. Review status: criteria provided, single submitter. Criteria: Invitae Variant Classification Sherloc (09022015). Collection method: clinical testing. Allele origin: germline.
Comment: In summary, the available evidence is currently insufficient to determine the role of this variant in disease. Therefore, it has been classified as a Variant of Uncertain Significance. Experimental studies and prediction algorithms are not available or were not evaluated, and the functional significance of this variant is currently unknown. ClinVar contains an entry for this variant (Variation ID: 1461676). This variant has not been reported in the literature in individuals affected with RNU4ATAC-related conditions. This variant is present in population databases (no rsID available, gnomAD 0.01%). This variant occurs in the RNU4ATAC gene, which encodes an RNA molecule that does not result in a protein product.